The following is an entry in ClinVar:

NM_007294.4(BRCA1):c.3416del (p.Ser1139fs)

Genes: BRCA1 (BRCA1 DNA repair associated; minus strand), LOC126862571 (BRD4-independent group 4 enhancer GRCh37_chr17:41243136-41244335; plus strand). Cytogenetic location: 17q21.31.
Variant type: Deletion.
Coding change: c.3416del on transcript NM_007294.4 (MANE Select); coding-DNA position 3416, one base deleted (G; older notation c.3416delG).
Protein change: p.Ser1139fs; shifts the reading frame from serine 1139.
Molecular consequence: frameshift variant. On other transcripts: intron variant (135).
Genome position (GRCh38, 1-based): chr17:43,092,115, C deleted on the plus strand (G on the coding strand, the reverse complement: BRCA1 is on the minus strand). VCF-style (leftmost placement, unchanged base first): chr17-43092114-AC-A. GRCh37 (hg19) VCF-style: chr17-41244131-AC-A.
Other names: c.3203del, p.Ser1068fs (NM_001407571.1, NM_001407853.1, NM_001407894.1 and 9 more transcripts); c.3416del, p.Ser1139fs (NM_001407581.1, NM_001407582.1, NM_001407583.1 and 30 more transcripts); c.3413del, p.Ser1138fs (NM_001407587.1, NM_001407590.1, NM_001407591.1 and 22 more transcripts); c.3407del, p.Ser1136fs (NM_001407646.1, NM_001407647.1); c.3293del, p.Ser1098fs (NM_001407648.1, NM_001407664.1, NM_001407665.1 and 19 more transcripts); c.3290del, p.Ser1097fs (NM_001407649.1, NM_001407670.1, NM_001407671.1 and 11 more transcripts); c.3338del, p.Ser1113fs (NM_001407653.1, NM_001407654.1, NM_001407655.1 and 4 more transcripts); c.3335del, p.Ser1112fs (NM_001407659.1, NM_001407660.1, NM_001407661.1 and 1 more transcripts); and 41 more; short protein forms S1139fs, S1092fs, S1011fs, S1050fs, S1072fs, S1097fs, S843fs, S1027fs.
Identifiers: ClinVar variation 54874 (VCV000054874.3), dbSNP rs397509064, ClinGen allele CA002208.

ClinVar aggregate classification (germline): Pathogenic. Review status: reviewed by expert panel (3 of 4 stars). 2 submissions from 2 submitters: Pathogenic (1). 1 of the submissions does not count toward it. Last evaluated 2017-12-15.

Conditions:
Breast-ovarian cancer, familial, susceptibility to, 1 (BROVCA1). Also called: OVARIAN CANCER, SUSCEPTIBILITY TO; BRCA1 Hereditary Breast and Ovarian Cancer. Identifiers: Orphanet 145, MedGen C2676676, MONDO:0011450, OMIM 604370. Disease mechanism: loss of function.
Familial cancer of breast. Also called: Hereditary breast cancer; hereditary breast carcinoma; BREAST CANCER, FAMILIAL. Identifiers: Orphanet 227535, MedGen C0346153, MONDO:0016419, OMIM 114480. Disease mechanism: loss of function.

Submissions (2):

Evidence-based Network for the Interpretation of Germline Mutant Alleles (ENIGMA)
Classification: Pathogenic for Breast-ovarian cancer, familial, susceptibility to, 1. Last evaluated: 2017-12-15. Review status: reviewed by expert panel. Criteria: ENIGMA BRCA1/2 Classification Criteria (2017-06-29). Collection method: curation. Allele origin: germline. Study: ENIGMA.
Comment: Variant allele predicted to encode a truncated non-functional protein.

ClinVar Staff, National Center for Biotechnology Information (NCBI)
No classification provided. Condition: Familial cancer of breast. Review status: no classification provided. Collection method: literature only. Allele origin: germline. Affected: yes. Not counted in ClinVar's aggregate classification.

Literature cited by the submitters: PubMed 22333603 (cited by ClinVar Staff, National Center for Biotechnology Information (NCBI)).